The following is an entry in ClinVar:

NM_001429.4(EP300):c.5020A>G (p.Lys1674Glu)

Gene: EP300 (EP300 lysine acetyltransferase; plus strand). Cytogenetic location: 22q13.2.
Variant type: single nucleotide variant.
Coding change: c.5020A>G on transcript NM_001429.4 (MANE Select); coding-DNA position 5020, A replaced by G.
Protein change: p.Lys1674Glu; replaces lysine 1674 with glutamic acid.
Molecular consequence: missense variant.
Genome position (GRCh38, 1-based): chr22:41,176,487, A>G. VCF-style: chr22-41176487-A-G. GRCh37 (hg19) VCF-style: chr22-41572491-A-G.
Other names: c.4942A>G, p.Lys1648Glu (NM_001362843.2); short protein forms K1648E, K1674E.
Identifiers: ClinVar variation 4746863 (VCV004746863.1).

ClinVar aggregate classification (germline): Uncertain significance (1 of 4 stars; one submission).

Conditions:
Rubinstein-Taybi syndrome due to EP300 haploinsufficiency. Also called: EP300-Related Rubinstein-Taybi Syndrome; RUBINSTEIN-TAYBI SYNDROME 2. Identifiers: Orphanet 353284, Orphanet 783, MedGen C3150941, MONDO:0013364, OMIM 613684.

Submission:

Labcorp Genetics (formerly Invitae), Labcorp
Classification: Uncertain significance for Rubinstein-Taybi syndrome due to EP300 haploinsufficiency. Last evaluated: 2025-12-09. Review status: criteria provided, single submitter. Criteria: Invitae Variant Classification Sherloc (09022015). Collection method: clinical testing. Allele origin: germline.
Comment: This sequence change replaces lysine, which is basic and polar, with glutamic acid, which is acidic and polar, at codon 1674 of the EP300 protein (p.Lys1674Glu). This variant is not present in population databases (gnomAD no frequency). This variant has not been reported in the literature in individuals affected with EP300-related conditions. Invitae Evidence Modeling of protein sequence and biophysical properties (such as structural, functional, and spatial information, amino acid conservation, physicochemical variation, residue mobility, and thermodynamic stability) indicates that this missense variant is expected to disrupt EP300 protein function with a positive predictive value of 80%. In summary, the available evidence is currently insufficient to determine the role of this variant in disease. Therefore, it has been classified as a Variant of Uncertain Significance.